The following is an entry in ClinVar:

ClinVar aggregate classification (germline): Uncertain significance. Review status: criteria provided, multiple submitters, no conflicts (2 of 4 stars). 3 submissions from 3 submitters: Uncertain significance (3). Last evaluated 2026-05-19.

Conditions:
Inborn genetic diseases. Identifiers: MedGen C0950123, MeSH D030342.
Congenital myasthenic syndrome 2A. Also called: Myasthenic syndrome, congenital, 2a, slow-channel. Identifiers: Orphanet 590, MedGen C4225374, MONDO:0014581, OMIM 616313.

Allele frequency attached by ClinVar (database versions not stated): ESP Exome Variant Server 0.00008; gnomAD exomes below 0.00001 and 0.00001; gnomAD 0.00001; TOPMed 0.00002.
gnomAD v4.1: 16 of 1,614,006 alleles (0.00099%); highest among the groups gnomAD compares: Non-Finnish European, 0.0014%; no homozygotes.

Submissions (3):

Ambry Genetics
Classification: Uncertain significance for Inborn genetic diseases. Last evaluated: 2026-05-19. Review status: criteria provided, single submitter. Criteria: Ambry Variant Classification Scheme 2023. Collection method: clinical testing. Allele origin: germline.
Comment: The c.1448C>T (p.T483I) alteration is located in exon 11 (coding exon 11) of the CHRNB1 gene. This alteration results from a C to T substitution at nucleotide position 1448, causing the threonine (T) at amino acid position 483 to be replaced by an isoleucine (I). Based on data from gnomAD, the T allele has an overall frequency of <0.001% (1/251492) total alleles studied. The highest observed frequency was 0.001% (1/113768) of European (non-Finnish) alleles. Based on insufficient or conflicting evidence, the clinical significance of this alteration remains unclear.

Labcorp Genetics (formerly Invitae), Labcorp
Classification: Uncertain significance for Congenital myasthenic syndrome 2A. Last evaluated: 2025-11-18. Review status: criteria provided, single submitter. Criteria: Invitae Variant Classification Sherloc (09022015). Collection method: clinical testing. Allele origin: germline.
Comment: This sequence change replaces threonine, which is neutral and polar, with isoleucine, which is neutral and non-polar, at codon 483 of the CHRNB1 protein (p.Thr483Ile). This variant is present in population databases (rs369847025, gnomAD 0.0009%). This variant has not been reported in the literature in individuals affected with CHRNB1-related conditions. ClinVar contains an entry for this variant (Variation ID: 574794). Invitae Evidence Modeling of protein sequence and biophysical properties (such as structural, functional, and spatial information, amino acid conservation, physicochemical variation, residue mobility, and thermodynamic stability) indicates that this missense variant is not expected to disrupt CHRNB1 protein function with a negative predictive value of 80%. In summary, the available evidence is currently insufficient to determine the role of this variant in disease. Therefore, it has been classified as a Variant of Uncertain Significance.

Breakthrough Genomics
Classification: Uncertain significance. Review status: criteria provided, single submitter. Criteria: ACMG Guidelines, 2015. Collection method: not provided. Allele origin: germline. Inheritance: Autosomal recessive inheritance. Affected: yes.

NM_000747.3(CHRNB1):c.1448C>T (p.Thr483Ile)

Gene: CHRNB1 (cholinergic receptor nicotinic beta 1 subunit; plus strand). Cytogenetic location: 17p13.1.
Variant type: single nucleotide variant.
Coding change: c.1448C>T on transcript NM_000747.3 (MANE Select); coding-DNA position 1448, C replaced by T.
Protein change: p.Thr483Ile; replaces threonine 483 with isoleucine.
Molecular consequence: missense variant.
Genome position (GRCh38, 1-based): chr17:7,456,665, C>T. VCF-style: chr17-7456665-C-T. GRCh37 (hg19) VCF-style: chr17-7359984-C-T.
Other names: short protein forms T483I.
Identifiers: ClinVar variation 574794 (VCV000574794.7), dbSNP rs369847025, ClinGen allele CA287433245.